The following is an entry in ClinVar:

NM_003200.5(TCF3):c.887C>T (p.Ala296Val)

Gene: TCF3 (transcription factor 3; minus strand). Cytogenetic location: 19p13.3.
Variant type: single nucleotide variant.
Coding change: c.887C>T on transcript NM_003200.5 (MANE Select); coding-DNA position 887, C replaced by T.
Protein change: p.Ala296Val; replaces alanine 296 with valine.
Molecular consequence: missense variant.
Genome position (GRCh38, 1-based): chr19:1,621,906, G>A on the plus strand (C>T on the coding strand, the complement: TCF3 is on the minus strand). VCF-style: chr19-1621906-G-A. GRCh37 (hg19) VCF-style: chr19-1621905-G-A.
Other names: c.887C>T, p.Ala296Val (NM_001136139.4, NM_001351778.2, NM_001351779.2); short protein forms A296V.
Identifiers: ClinVar variation 3454137 (VCV003454137.2).

ClinVar aggregate classification (germline): Uncertain significance. Review status: criteria provided, multiple submitters, no conflicts (2 of 4 stars). 2 submissions from 2 submitters: Uncertain significance (2). Last evaluated 2025-10-15.

Conditions:
Inborn genetic diseases. Identifiers: MedGen C0950123, MeSH D030342.

gnomAD v4.1: 2 of 1,601,164 alleles (0.00012%); highest among the groups gnomAD compares: Admixed American, 0.0017%; no homozygotes.

Submissions (2):

Labcorp Genetics (formerly Invitae), Labcorp
Classification: Uncertain significance. Last evaluated: 2025-10-15. Review status: criteria provided, single submitter. Criteria: Invitae Variant Classification Sherloc (09022015). Collection method: clinical testing. Allele origin: germline.
Comment: This sequence change replaces alanine, which is neutral and non-polar, with valine, which is neutral and non-polar, at codon 296 of the TCF3 protein (p.Ala296Val). The frequency data for this variant in the population databases is considered unreliable, as metrics indicate poor data quality at this position in the gnomAD database. This variant has not been reported in the literature in individuals affected with TCF3-related conditions. ClinVar contains an entry for this variant (Variation ID: 3454137). Invitae Evidence Modeling of protein sequence and biophysical properties (such as structural, functional, and spatial information, amino acid conservation, physicochemical variation, residue mobility, and thermodynamic stability) indicates that this missense variant is not expected to disrupt TCF3 protein function with a negative predictive value of 80%. In summary, the available evidence is currently insufficient to determine the role of this variant in disease. Therefore, it has been classified as a Variant of Uncertain Significance.

Ambry Genetics
Classification: Uncertain significance for Inborn genetic diseases. Last evaluated: 2024-07-30. Review status: criteria provided, single submitter. Criteria: Ambry Variant Classification Scheme 2023. Collection method: clinical testing. Allele origin: germline.